The following is an entry in ClinVar:

NM_000540.3(RYR1):c.8038T>A (p.Trp2680Arg)

Gene: RYR1 (ryanodine receptor 1; plus strand). Cytogenetic location: 19q13.2.
Variant type: single nucleotide variant.
Coding change: c.8038T>A on transcript NM_000540.3 (MANE Select); coding-DNA position 8038, T replaced by A.
Protein change: p.Trp2680Arg; replaces tryptophan 2680 with arginine.
Molecular consequence: missense variant.
Genome position (GRCh38, 1-based): chr19:38,504,331, T>A. VCF-style: chr19-38504331-T-A. GRCh37 (hg19) VCF-style: chr19-38994971-T-A.
Other names: c.8038T>A (NM_000540.2); c.8038T>A, p.Trp2680Arg (NM_001042723.2); short protein forms W2680R.
Identifiers: ClinVar variation 1011194 (VCV001011194.11), dbSNP rs1453234577, ClinGen allele CA083041.

ClinVar aggregate classification (germline): Uncertain significance. Review status: criteria provided, multiple submitters, no conflicts (2 of 4 stars). 2 submissions from 2 submitters: Uncertain significance (2). Last evaluated 2025-07-22.

Conditions:
RYR1-related disorder. Also called: RYR1-related condition; RYR1-related disorders. Identifiers: MedGen CN239331.

Allele frequency attached by ClinVar (database versions not stated): gnomAD exomes below 0.00001.
gnomAD v4.1: 1 of 1,614,168 alleles (0.000062%); highest among the groups gnomAD compares: Non-Finnish European, 0.000085%; no homozygotes.

Submissions (2):

Revvity Omics, Revvity
Classification: Uncertain significance. Last evaluated: 2025-07-22. Review status: criteria provided, single submitter. Criteria: ACMG Guidelines, 2015. Collection method: clinical testing. Allele origin: germline.

Labcorp Genetics (formerly Invitae), Labcorp
Classification: Uncertain significance for RYR1-related disorder. Last evaluated: 2020-08-06. Review status: criteria provided, single submitter. Criteria: Invitae Variant Classification Sherloc (09022015). Collection method: clinical testing. Allele origin: germline.
Comment: In summary, the available evidence is currently insufficient to determine the role of this variant in disease. Therefore, it has been classified as a Variant of Uncertain Significance. Algorithms developed to predict the effect of sequence changes on RNA splicing suggest that this variant may create or strengthen a splice site, but this prediction has not been confirmed by published transcriptional studies. Advanced modeling of protein sequence and biophysical properties (such as structural, functional, and spatial information, amino acid conservation, physicochemical variation, residue mobility, and thermodynamic stability) performed at Invitae indicates that this missense variant is expected to disrupt RYR1 protein function. This variant has not been reported in the literature in individuals with RYR1-related conditions. This variant is not present in population databases (ExAC no frequency). This sequence change replaces tryptophan with arginine at codon 2680 of the RYR1 protein (p.Trp2680Arg). The tryptophan residue is highly conserved and there is a moderate physicochemical difference between tryptophan and arginine.